The following is an entry in ClinVar:

NM_152564.5(VPS13B):c.572del (p.Asp191fs)

Gene: VPS13B (vacuolar protein sorting 13 homolog B; plus strand). Cytogenetic location: 8q22.2.
Variant type: Deletion.
Coding change: c.572del on transcript NM_152564.5 (MANE Select); coding-DNA position 572, one base deleted (A; older notation c.572delA).
Protein change: p.Asp191fs; shifts the reading frame from aspartic acid 191.
Molecular consequence: frameshift variant. On other transcripts: non-coding transcript variant (1).
Genome position (GRCh38, 1-based): chr8:99,103,112, A deleted. VCF-style (leftmost placement, unchanged base first): chr8-99103111-GA-G. GRCh37 (hg19) VCF-style: chr8-100115339-GA-G.
Other names: c.572delA (NM_017890.4); c.572del, p.Asp191fs (NM_015243.3, NM_017890.5, NM_181661.3); short protein forms D191fs.
Identifiers: ClinVar variation 642885 (VCV000642885.6), dbSNP rs1588038976, ClinGen allele CA915948949.
Genomic context (GRCh38, chr8:99,103,111, plus strand): 5'-GTCAATATCACTTCTGCAGAATGTTATACAGTAGGTGAATTATGGGATCGTGCATTCATG[GA>G]TATTTCTGGTGAGTAAATATGGAGAATACCGTATATTTTTCCATAATTGAAACAATTACC-3'

ClinVar aggregate classification (germline): Pathogenic (1 of 4 stars; one submission).

Conditions:
Cohen syndrome (COH1). Also called: PEPPER SYNDROME; Cutis verticis gyrata, retinitis pigmentosa, and sensorineural deafness. Identifiers: Orphanet 193, MedGen C0265223, MONDO:0008999, OMIM 216550.

Submission:

Labcorp Genetics (formerly Invitae), Labcorp
Classification: Pathogenic for Cohen syndrome. Last evaluated: 2018-12-05. Review status: criteria provided, single submitter. Criteria: Invitae Variant Classification Sherloc (09022015). Collection method: clinical testing. Allele origin: germline.
Comment: This sequence change creates a premature translational stop signal (p.Asp191Valfs*9) in the VPS13B gene. It is expected to result in an absent or disrupted protein product. This variant is not present in population databases (ExAC no frequency). This variant has not been reported in the literature in individuals with VPS13B-related conditions. For these reasons, this variant has been classified as Pathogenic. Loss-of-function variants in VPS13B are known to be pathogenic (PMID: 15141358, 16648375, 20461111). Algorithms developed to predict the effect of sequence changes on RNA splicing suggest that this variant may create or strengthen a splice site, but this prediction has not been confirmed by published transcriptional studies.

Literature cited by the submitters: PubMed 15141358; PubMed 16648375; PubMed 20461111.